The following is an entry in ClinVar:

NM_032578.4(MYPN):c.140C>G (p.Pro47Arg)

Gene: MYPN (myopalladin; plus strand). Cytogenetic location: 10q21.3.
Variant type: single nucleotide variant.
Coding change: c.140C>G on transcript NM_032578.4 (MANE Select); coding-DNA position 140, C replaced by G.
Protein change: p.Pro47Arg; replaces proline 47 with arginine.
Molecular consequence: missense variant. On other transcripts: 5 prime UTR variant (1), non-coding transcript variant (1).
Genome position (GRCh38, 1-based): chr10:68,121,578, C>G. VCF-style: chr10-68121578-C-G. GRCh37 (hg19) VCF-style: chr10-69881335-C-G.
Other names: c.140C>G, p.Pro47Arg (NM_001256267.2); c.-983C>G (NM_001256268.2); short protein forms P47R.
Identifiers: ClinVar variation 838317 (VCV000838317.10), dbSNP rs777446804, ClinGen allele CA377103689.
Genomic context (GRCh38, chr10:68,121,578, plus strand): 5'-GGGGAAACAATGAGAGGAGTCGAGCGGAGCCCTCCTCCAACCCTTGCCATTTCGGCAGTC[C>G]TTCTGGGGCCGCTGAAGGAGGCGGAGGCCAAGATGACCTTCCAGATCTTTCAGCCTTTCT-3'
Protein context (NP_115967.2, residues 37-57): PSSNPCHFGS[Pro47Arg]SGAAEGGGGQ

ClinVar aggregate classification (germline): Uncertain significance (1 of 4 stars; one submission).

Conditions:
Dilated cardiomyopathy 1KK (CMD1KK). Identifiers: Orphanet 154, Orphanet 75249, MedGen C3714995, MONDO:0014100, OMIM 615248.

Submission:

Labcorp Genetics (formerly Invitae), Labcorp
Classification: Uncertain significance for Dilated cardiomyopathy 1KK. Last evaluated: 2020-08-14. Review status: criteria provided, single submitter. Criteria: Invitae Variant Classification Sherloc (09022015). Collection method: clinical testing. Allele origin: germline.
Comment: Algorithms developed to predict the effect of missense changes on protein structure and function (SIFT, PolyPhen-2, Align-GVGD) all suggest that this variant is likely to be tolerated, but these predictions have not been confirmed by published functional studies and their clinical significance is uncertain. In summary, the available evidence is currently insufficient to determine the role of this variant in disease. Therefore, it has been classified as a Variant of Uncertain Significance. This sequence change replaces proline with arginine at codon 47 of the MYPN protein (p.Pro47Arg). The proline residue is weakly conserved and there is a moderate physicochemical difference between proline and arginine. This variant is not present in population databases (ExAC no frequency). This variant has not been reported in the literature in individuals with MYPN-related conditions.